The following is an entry in ClinVar:

NM_001077350.3(NPRL3):c.954C>A (p.Tyr318Ter)

Genes: HBA-LCR (alpha-globin locus control region; plus strand), NPRL3 (NPR3 like, GATOR1 complex subunit; minus strand). Cytogenetic location: 16p13.3.
Variant type: single nucleotide variant.
Coding change: c.954C>A on transcript NM_001077350.3 (MANE Select); coding-DNA position 954, C replaced by A.
Protein change: p.Tyr318Ter; replaces tyrosine 318 with a stop codon.
Molecular consequence: nonsense.
Genome position (GRCh38, 1-based): chr16:93,296, G>T on the plus strand (C>A on the coding strand, the complement: NPRL3 is on the minus strand). VCF-style: chr16-93296-G-T. GRCh37 (hg19) VCF-style: chr16-143294-G-T.
Other names: c.417C>A, p.Tyr139Ter (NM_001039476.3); c.720C>A, p.Tyr240Ter (NM_001243247.2); c.879C>A, p.Tyr293Ter (NM_001243248.2, NM_001243249.2); short protein forms Y139*, Y240*, Y293*, Y318*.
Identifiers: ClinVar variation 3770203 (VCV003770203.2).

ClinVar aggregate classification (germline): Pathogenic (1 of 4 stars; one submission).

Conditions:
Epilepsy, familial focal, with variable foci 3 (FFEVF3). Identifiers: MedGen C4310708, MONDO:0014925, OMIM 617118.

Submission:

Department of Neurology, Zibo Changguo Hospital
Classification: Pathogenic for Epilepsy, familial focal, with variable foci 3. Last evaluated: 2025-01-08. Review status: criteria provided, single submitter. Criteria: ACMG Guidelines, 2015. Collection method: clinical testing. Allele origin: maternal. Inheritance: Autosomal dominant inheritance. Affected: yes.
Comment: This sequence change creates a premature translational stop signal (p.Tyr318*) in the NPRL3 gene. It is expected to result in an absent or disrupted protein product. Loss-of-function variants in NPRL3 are known to be pathogenic (PMID: 26285051, 26505888). This variant is not present in gnomAD. This variant has not been reported in the literature in individuals affected with NPRL3-related conditions. In summary, this variant meets criteria to be classified as pathogenic based on the ACMG criteria applied: PVS1, PM2_sup, PP4.